The following is an entry in ClinVar:

NM_030665.4(RAI1):c.1431A>C (p.Lys477Asn)

Gene: RAI1 (retinoic acid induced 1; plus strand). Cytogenetic location: 17p11.2.
Variant type: single nucleotide variant.
Coding change: c.1431A>C on transcript NM_030665.4 (MANE Select); coding-DNA position 1431, A replaced by C.
Protein change: p.Lys477Asn; replaces lysine 477 with asparagine.
Molecular consequence: missense variant.
Genome position (GRCh38, 1-based): chr17:17,794,379, A>C. VCF-style: chr17-17794379-A-C. GRCh37 (hg19) VCF-style: chr17-17697693-A-C.
Other names: short protein forms K477N.
Identifiers: ClinVar variation 1377649 (VCV001377649.8), dbSNP rs2143001929, ClinGen allele CA398547814.

ClinVar aggregate classification (germline): Uncertain significance (1 of 4 stars; one submission).

Submission:

Labcorp Genetics (formerly Invitae), Labcorp
Classification: Uncertain significance. Last evaluated: 2024-01-02. Review status: criteria provided, single submitter. Criteria: Invitae Variant Classification Sherloc (09022015). Collection method: clinical testing. Allele origin: germline.
Comment: This sequence change replaces lysine, which is basic and polar, with asparagine, which is neutral and polar, at codon 477 of the RAI1 protein (p.Lys477Asn). This variant is not present in population databases (gnomAD no frequency). This variant has not been reported in the literature in individuals affected with RAI1-related conditions. ClinVar contains an entry for this variant (Variation ID: 1377649). Advanced modeling of protein sequence and biophysical properties (such as structural, functional, and spatial information, amino acid conservation, physicochemical variation, residue mobility, and thermodynamic stability) performed at Invitae indicates that this missense variant is expected to disrupt RAI1 protein function with a positive predictive value of 80%. In summary, the available evidence is currently insufficient to determine the role of this variant in disease. Therefore, it has been classified as a Variant of Uncertain Significance.